The following is an entry in ClinVar:

NM_002336.3(LRP6):c.2666_2667insCCAC (p.Trp890fs)

Gene: LRP6 (LDL receptor related protein 6; minus strand). Cytogenetic location: 12p13.2.
Variant type: Insertion.
Coding change: c.2666_2667insCCAC on transcript NM_002336.3 (MANE Select); coding-DNA positions 2666 to 2667, CCAC inserted.
Protein change: p.Trp890fs; shifts the reading frame from tryptophan 890.
Molecular consequence: frameshift variant.
Genome position: GRCh38 VCF-style: chr12-12158953-C-CGTGG. GRCh37 (hg19) VCF-style: chr12-12311887-C-CGTGG.
Other names: short protein forms W890fs.
Identifiers: ClinVar variation 421198 (VCV000421198.2), dbSNP rs1064794970, ClinGen allele CA16619451.

ClinVar aggregate classification (germline): Pathogenic (1 of 4 stars; one submission).

Submission:

GeneDx
Classification: Pathogenic. Last evaluated: 2016-05-11. Review status: criteria provided, single submitter. Criteria: GeneDx Variant Classification (06012015). Collection method: clinical testing. Allele origin: germline. Affected: yes.
Comment: The c.2666_2667insCCAC pathogenic variant in the LRP6 gene has not been reported previously as a pathogenic variant nor as a benign variant, to our knowledge. This variant causes a frameshift starting with codon Tryptophan 90, changes this amino acid to a Histidine residue, and creates a premature Stop codon at position 4 of the new reading frame, denoted p.Trp90HisfsX4. This variant is predicted to cause loss of normal protein function either through protein truncation or nonsense-mediated mRNA decay. The c.2666_2667insCCAC variant was not observed in approximately 6500 individuals of European and African American ancestry in the NHLBI Exome Sequencing Project, indicating it is not a common benign variant in these populations. We interpret c.2666_2667insCCAC as a pathogenic variant.